The following is an entry in ClinVar:

NM_001034853.2(RPGR):c.2425G>C (p.Glu809Gln)

Gene: RPGR (retinitis pigmentosa GTPase regulator; minus strand). Cytogenetic location: Xp11.4.
Variant type: single nucleotide variant.
Coding change: c.2425G>C on transcript NM_001034853.2 (MANE Select); coding-DNA position 2425, G replaced by C.
Protein change: p.Glu809Gln; replaces glutamic acid 809 with glutamine.
Molecular consequence: missense variant. On other transcripts: intron variant (8).
Genome position (GRCh38, 1-based): chrX:38,286,574, C>G on the plus strand (G>C on the coding strand, the complement: RPGR is on the minus strand). VCF-style: chrX-38286574-C-G. GRCh37 (hg19) VCF-style: chrX-38145827-C-G.
Other names: c.1569+4385G>C (NM_001367249.1, NM_001367250.1); c.1902+520G>C (NM_001367245.1); c.1386+4385G>C (NM_001367251.1); c.1719+520G>C (NM_001367246.1); c.1572+4385G>C (NM_001367247.1); c.1905+520G>C (NM_000328.3); c.1602+4385G>C (NM_001367248.1); short protein forms E809Q.
Identifiers: ClinVar variation 2420543 (VCV002420543.4), dbSNP rs1168146969, ClinGen allele CA412730669.

ClinVar aggregate classification (germline): Uncertain significance (1 of 4 stars; one submission).

Conditions:
Primary ciliary dyskinesia. Also called: Ciliary dyskinesia. Identifiers: Orphanet 244, MedGen C0008780, MONDO:0016575, HP:0012265.

Allele frequency attached by ClinVar (database versions not stated): gnomAD exomes 0.00001.

Submission:

Labcorp Genetics (formerly Invitae), Labcorp
Classification: Uncertain significance for Primary ciliary dyskinesia. Last evaluated: 2022-06-06. Review status: criteria provided, single submitter. Criteria: Invitae Variant Classification Sherloc (09022015). Collection method: clinical testing. Allele origin: germline.
Comment: In summary, the available evidence is currently insufficient to determine the role of this variant in disease. Therefore, it has been classified as a Variant of Uncertain Significance. Experimental studies and prediction algorithms are not available or were not evaluated, and the functional significance of this variant is currently unknown. This variant has not been reported in the literature in individuals affected with RPGR (ORF15)-related conditions. This variant is present in population databases (no rsID available, gnomAD 0.03%). This sequence change replaces glutamic acid, which is acidic and polar, with glutamine, which is neutral and polar, at codon 809 of the RPGR (ORF15) protein (p.Glu809Gln).